The following is an entry in ClinVar:

ClinVar aggregate classification (germline): Likely benign (0 of 4 stars; one submission).

Conditions:
MGAM-related disorder. Also called: MGAM-related condition.

Allele frequency attached by ClinVar (database versions not stated): gnomAD 0.00001; gnomAD exomes 0.00001; TOPMed 0.00002.
gnomAD v4.1: 19 of 1,550,144 alleles (0.0012%); highest among the groups gnomAD compares: African/African-American, 0.004%; 4 homozygotes.

Submission:

PreventionGenetics, part of Exact Sciences
Classification: Likely benign for MGAM-related condition. Last evaluated: 2023-12-14. Review status: no assertion criteria provided. Collection method: clinical testing. Allele origin: germline.
Comment: This variant is classified as likely benign based on ACMG/AMP sequence variant interpretation guidelines (Richards et al. 2015 PMID: 25741868, with internal and published modifications).

NM_001365693.1(MGAM):c.5186+5A>G

Gene: MGAM (maltase-glucoamylase; plus strand). Cytogenetic location: 7q34.
Variant type: single nucleotide variant.
Coding change: c.5186+5A>G on transcript NM_001365693.1 (MANE Select); 5 bases into the intron after coding-DNA position 5186, A replaced by G.
Molecular consequence: intron variant.
Genome position (GRCh38, 1-based): chr7:142,071,123, A>G. VCF-style: chr7-142071123-A-G. GRCh37 (hg19) VCF-style: chr7-141770923-A-G.
Other names: c.4618+5655A>G (NM_004668.3).
Identifiers: ClinVar variation 3037098 (VCV003037098.2), dbSNP rs773000464, ClinGen allele CA168124296.